The following is an entry in ClinVar:

ClinVar aggregate classification (germline): Uncertain significance. Review status: criteria provided, multiple submitters, no conflicts (2 of 4 stars). 3 submissions from 3 submitters: Uncertain significance (3). Last evaluated 2025-09-10.

Conditions:
Hereditary cancer-predisposing syndrome. Also called: Neoplastic Syndromes, Hereditary; Tumor predisposition; Hereditary Cancer Syndrome; Hereditary neoplastic syndrome. Identifiers: Orphanet 140162, MedGen C0027672, MeSH D009386, MONDO:0015356.
Familial adenomatous polyposis 1 (FAP1). Also called: FAMILIAL ADENOMATOUS POLYPOSIS 1, ATTENUATED; POLYPOSIS, ADENOMATOUS INTESTINAL. Identifiers: MedGen C2713442, MONDO:0021056, OMIM 175100. Disease mechanism: loss of function.

Allele frequency attached by ClinVar (database versions not stated): gnomAD exomes below 0.00001.
gnomAD v4.1: 2 of 1,614,048 alleles (0.00012%); highest among the groups gnomAD compares: South Asian, 0.0022%; no homozygotes.

Submissions (3):

Labcorp Genetics (formerly Invitae), Labcorp
Classification: Uncertain significance for Familial adenomatous polyposis 1. Last evaluated: 2025-09-10. Review status: criteria provided, single submitter. Criteria: Invitae Variant Classification Sherloc (09022015). Collection method: clinical testing. Allele origin: germline.
Comment: This sequence change replaces leucine, which is neutral and non-polar, with serine, which is neutral and polar, at codon 878 of the APC protein (p.Leu878Ser). This variant is not present in population databases (gnomAD no frequency). This variant has not been reported in the literature in individuals affected with APC-related conditions. ClinVar contains an entry for this variant (Variation ID: 921605). Invitae Evidence Modeling of protein sequence and biophysical properties (such as structural, functional, and spatial information, amino acid conservation, physicochemical variation, residue mobility, and thermodynamic stability) indicates that this missense variant is not expected to disrupt APC protein function with a negative predictive value of 95%. In summary, the available evidence is currently insufficient to determine the role of this variant in disease. Therefore, it has been classified as a Variant of Uncertain Significance.

Ambry Genetics
Classification: Uncertain significance for Hereditary cancer-predisposing syndrome. Last evaluated: 2023-07-12. Review status: criteria provided, single submitter. Criteria: Ambry Variant Classification Scheme 2023. Collection method: clinical testing. Allele origin: germline.
Comment: The p.L878S variant (also known as c.2633T>C), located in coding exon 15 of the APC gene, results from a T to C substitution at nucleotide position 2633. The leucine at codon 878 is replaced by serine, an amino acid with dissimilar properties. This amino acid position is conserved. In addition, in silico predictors for this gene do not accurately predict pathogenicity. Since supporting evidence is limited at this time, the clinical significance of this alteration remains unclear.

Color Diagnostics, LLC DBA Color Health
Classification: Uncertain significance for Hereditary cancer-predisposing syndrome. Last evaluated: 2021-08-23. Review status: criteria provided, single submitter. Criteria: ACMG Guidelines, 2015. Collection method: clinical testing. Allele origin: germline.
Comment: This missense variant replaces leucine with serine at codon 878 of the APC protein. Computational prediction suggests that this variant may not impact protein structure and function (internally defined REVEL score threshold <= 0.5, PMID: 27666373). To our knowledge, functional studies have not been reported for this variant. This variant has not been reported in individuals affected with hereditary cancer in the literature. This variant has not been identified in the general population by the Genome Aggregation Database (gnomAD). The available evidence is insufficient to determine the role of this variant in disease conclusively. Therefore, this variant is classified as a Variant of Uncertain Significance.

NM_000038.6(APC):c.2633T>C (p.Leu878Ser)

Gene: APC (APC regulator of Wnt signaling pathway; plus strand). Cytogenetic location: 5q22.2.
Variant type: single nucleotide variant.
Coding change: c.2633T>C on transcript NM_000038.6 (MANE Select); coding-DNA position 2633, T replaced by C.
Protein change: p.Leu878Ser; replaces leucine 878 with serine.
Molecular consequence: missense variant.
Genome position (GRCh38, 1-based): chr5:112,838,227, T>C. VCF-style: chr5-112838227-T-C. GRCh37 (hg19) VCF-style: chr5-112173924-T-C.
Other names: c.2633T>C, p.Leu878Ser (NM_001127510.3, NM_001354895.2); c.2579T>C, p.Leu860Ser (NM_001127511.3); c.2687T>C, p.Leu896Ser (NM_001354896.2); c.2663T>C, p.Leu888Ser (NM_001354897.2); c.2558T>C, p.Leu853Ser (NM_001354898.2); c.2549T>C, p.Leu850Ser (NM_001354899.2); c.2510T>C, p.Leu837Ser (NM_001354900.2); c.2456T>C, p.Leu819Ser (NM_001354901.2); and 5 more; short protein forms L595S, L718S, L777S, L850S, L878S, L888S, L853S, L787S.
Identifiers: ClinVar variation 921605 (VCV000921605.9), dbSNP rs1765230679, ClinGen allele CA16027088.
Genomic context (GRCh38, chr5:112,838,227, plus strand): 5'-TTGGTCTAGGCAACTACCATCCAGCAACAGAAAATCCAGGAACTTCTTCAAAGCGAGGTT[T>C]GCAGATCTCCACCACTGCAGCCCAGATTGCCAAAGTCATGGAAGAAGTGTCAGCCATTCA-3'
Protein context (NP_000029.2, residues 868-888): ENPGTSSKRG[Leu878Ser]QISTTAAQIA